The following is an entry in ClinVar:

NM_024996.7(GFM1):c.824C>T (p.Ser275Leu)

Gene: GFM1 (G elongation factor mitochondrial 1; plus strand). Cytogenetic location: 3q25.32.
Variant type: single nucleotide variant.
Coding change: c.824C>T on transcript NM_024996.7 (MANE Select); coding-DNA position 824, C replaced by T.
Protein change: p.Ser275Leu; replaces serine 275 with leucine.
Molecular consequence: missense variant. On other transcripts: non-coding transcript variant (4).
Genome position (GRCh38, 1-based): chr3:158,652,230, C>T. VCF-style: chr3-158652230-C-T. GRCh37 (hg19) VCF-style: chr3-158370019-C-T.
Other names: c.881C>T, p.Ser294Leu (NM_001308164.2, NM_001374355.1); c.824C>T, p.Ser275Leu (NM_001308166.2); c.707C>T, p.Ser236Leu (NM_001374356.1); c.599C>T, p.Ser200Leu (NM_001374357.1); c.365C>T, p.Ser122Leu (NM_001374358.1); c.257C>T, p.Ser86Leu (NM_001374359.1, NM_001374360.1); c.140C>T, p.Ser47Leu (NM_001374361.1); short protein forms S294L, S275L, S86L, S122L, S236L, S200L, S47L.
Identifiers: ClinVar variation 1924663 (VCV001924663.2), dbSNP rs759365696, ClinGen allele CA2682428.

ClinVar aggregate classification (germline): Uncertain significance (1 of 4 stars; one submission).

Allele frequency attached by ClinVar (database versions not stated): gnomAD exomes 0.00001; ExAC 0.00002.
gnomAD v4.1: 5 of 1,613,952 alleles (0.00031%); highest among the groups gnomAD compares: Admixed American, 0.005%; no homozygotes.

Submission:

Labcorp Genetics (formerly Invitae), Labcorp
Classification: Uncertain significance. Last evaluated: 2022-05-25. Review status: criteria provided, single submitter. Criteria: Invitae Variant Classification Sherloc (09022015). Collection method: clinical testing. Allele origin: germline.
Comment: This sequence change replaces serine, which is neutral and polar, with leucine, which is neutral and non-polar, at codon 275 of the GFM1 protein (p.Ser275Leu). This variant is present in population databases (rs759365696, gnomAD 0.01%). This variant has not been reported in the literature in individuals affected with GFM1-related conditions. Advanced modeling of protein sequence and biophysical properties (such as structural, functional, and spatial information, amino acid conservation, physicochemical variation, residue mobility, and thermodynamic stability) performed at Invitae indicates that this missense variant is not expected to disrupt GFM1 protein function. In summary, the available evidence is currently insufficient to determine the role of this variant in disease. Therefore, it has been classified as a Variant of Uncertain Significance.